The following is an entry in ClinVar:

ClinVar aggregate classification (germline): Uncertain significance (1 of 4 stars; one submission).

gnomAD v4.1: 1 of 1,614,086 alleles (0.000062%); highest among the groups gnomAD compares: Admixed American, 0.0017%; no homozygotes.

Submission:

Ambry Genetics
Classification: Uncertain significance. Last evaluated: 2025-01-11. Review status: criteria provided, single submitter. Criteria: Ambry Variant Classification Scheme 2023. Collection method: clinical testing. Allele origin: germline.
Comment: The p.A911T variant (also known as c.2731G>A), located in coding exon 1 of the TET2 gene, results from a G to A substitution at nucleotide position 2731. The alanine at codon 911 is replaced by threonine, an amino acid with similar properties. This amino acid position is conserved. In addition, this alteration is predicted to be tolerated by in silico analysis. Based on the available evidence, the clinical significance of this variant remains unclear.

NM_001127208.3(TET2):c.2731G>A (p.Ala911Thr)

Genes: TET2 (tet methylcytosine dioxygenase 2; plus strand), TET2-AS1 (TET2 antisense RNA 1; minus strand). Cytogenetic location: 4q24.
Variant type: single nucleotide variant.
Coding change: c.2731G>A on transcript NM_001127208.3 (MANE Select); coding-DNA position 2731, G replaced by A.
Protein change: p.Ala911Thr; replaces alanine 911 with threonine.
Molecular consequence: missense variant.
Genome position (GRCh38, 1-based): chr4:105,236,673, G>A. VCF-style: chr4-105236673-G-A. GRCh37 (hg19) VCF-style: chr4-106157830-G-A.
Other names: c.2731G>A, p.Ala911Thr (NM_017628.4); short protein forms A911T.
Identifiers: ClinVar variation 3805949 (VCV003805949.1).
Genomic context (GRCh38, chr4:105,236,673, plus strand): 5'-CAACAAGCTTCAGTTCTACAGGGATATAAAAATAGAAACCAAGATATGTCTGGTCAACAA[G>A]CTGCGCAACTTGCTCAGCAAAGGTACTTGATACATAACCATGCAAATGTTTTTCCTGTGC-3'
Protein context (NP_001120680.1, residues 901-921): NRNQDMSGQQ[Ala911Thr]AQLAQQRYLI